The following is an entry in ClinVar:

ClinVar aggregate classification (germline): Pathogenic (1 of 4 stars; one submission).

Conditions:
ZTTK syndrome (ZTTKS). Also called: ZTTK MULTIPLE CONGENITAL ANOMALIES-MENTAL RETARDATION SYNDROME; Zhu-Tokita-Takenouchi-Kim Syndrome. Identifiers: Orphanet 500150, MedGen C4310696, MONDO:0014936, OMIM 617140.

Submission:

Victorian Clinical Genetics Services, Murdoch Childrens Research Institute
Classification: Pathogenic for ZTTK syndrome. Last evaluated: 2022-03-31. Review status: criteria provided, single submitter. Criteria: ACMG Guidelines, 2015. Collection method: clinical testing. Allele origin: germline. Inheritance: Autosomal dominant inheritance. Affected: yes.
Comment: Based on the classification scheme VCGS_Germline_v1.3.4, this variant is classified as Pathogenic. Following criteria are met: 0102 - Loss of function is a known mechanism of disease in this gene and is associated with ZTTK syndrome (MIM#617140). (I) 0107 - This gene is associated with autosomal dominant disease. (I) 0201 - Variant is predicted to cause nonsense-mediated decay (NMD) and loss of protein (premature termination codon is located at least 54 nucleotides upstream of the final exon-exon junction). (SP) 0251 - This variant is heterozygous. (I) 0301 - Variant is absent from gnomAD (both v2 and v3). (SP) 0701 - Other NMD predicted variants comparable to the one identified in this case have very strong previous evidence for pathogenicity (DECIPHER). (SP) 0807 - This variant has no previous evidence of pathogenicity. (I) 0905 - No published segregation evidence has been identified for this variant. (I) 1007 - No published functional evidence has been identified for this variant. (SP) Legend: (SP) - Supporting pathogenic, (I) - Information, (SB) - Supporting benign

NM_138927.4(SON):c.3968_3975delinsGTTGGT (p.Ser1323fs)

Gene: SON (SON DNA and RNA binding protein; plus strand). Cytogenetic location: 21q22.11.
Variant type: Indel.
Coding change: c.3968_3975delinsGTTGGT on transcript NM_138927.4 (MANE Select); coding-DNA positions 3968 to 3975, CAGAAGTA replaced by GTTGGT.
Protein change: p.Ser1323fs; shifts the reading frame from serine 1323.
Molecular consequence: frameshift variant. On other transcripts: non-coding transcript variant (1), intron variant (1).
Genome position (GRCh38, 1-based): chr21:33,553,199-33,553,206, CAGAAGTA replaced by GTTGGT. VCF-style: chr21-33553199-CAGAAGTA-GTTGGT. GRCh37 (hg19) VCF-style: chr21-34925505-CAGAAGTA-GTTGGT.
Other names: c.3968_3975delinsGTTGGT, p.Ser1323fs (NM_001291411.2, NM_032195.3); c.245-3957_245-3950delinsGTTGGT (NM_001291412.3); short protein forms S1323fs.
Identifiers: ClinVar variation 1699122 (VCV001699122.3), dbSNP rs2145831260, ClinGen allele CA2573102954.